The following is an entry in ClinVar:

ClinVar aggregate classification (germline): Likely benign (1 of 4 stars; one submission).

Submission:

CeGaT Center for Human Genetics Tuebingen
Classification: Likely benign. Last evaluated: 2022-03-01. Review status: criteria provided, single submitter. Criteria: CeGaT Center For Human Genetics Tuebingen Variant Classification Criteria Version 2. Collection method: clinical testing. Allele origin: germline. Affected: yes. Observed: 1 variant allele.
Comment: SNX14: BP4, BP7

NM_153816.6(SNX14):c.2004G>A (p.Leu668=)

Gene: SNX14 (sorting nexin 14; minus strand). Cytogenetic location: 6q14.3.
Variant type: single nucleotide variant.
Coding change: c.2004G>A on transcript NM_153816.6 (MANE Select); coding-DNA position 2004, G replaced by A.
Protein change: p.Leu668=; no amino-acid change (leucine 668 retained).
Molecular consequence: synonymous variant. On other transcripts: non-coding transcript variant (6).
Genome position (GRCh38, 1-based): chr6:85,526,229, C>T on the plus strand (G>A on the coding strand, the complement: SNX14 is on the minus strand). VCF-style: chr6-85526229-C-T. GRCh37 (hg19) VCF-style: chr6-86235947-C-T.
Other names: c.1977G>A, p.Leu659= (NM_001297614.3, NM_001350541.2); c.1848G>A, p.Leu616= (NM_001304479.2); c.2067G>A, p.Leu689= (NM_001350532.2); c.2001G>A, p.Leu667= (NM_001350533.2, NM_001350535.2); c.1974G>A, p.Leu658= (NM_001350534.2); c.1872G>A, p.Leu624= (NM_001350536.2); c.1869G>A, p.Leu623= (NM_001350537.2); c.1860G>A, p.Leu620= (NM_001350538.2); and 9 more.
Identifiers: ClinVar variation 2656733 (VCV002656733.23), dbSNP rs2535108274, ClinGen allele CA451132221.